The following is an entry in ClinVar:

ClinVar aggregate classification (germline): Uncertain significance (1 of 4 stars; one submission).

Conditions:
Neurodevelopmental disorder with central hypotonia and dysmorphic facies (NEDCHF). Identifiers: MedGen C5676944, MONDO:0859232, OMIM 619797.

Submission:

Genetics Department, Catlab
Classification: Uncertain significance for Neurodevelopmental disorder with central hypotonia and dysmorphic facies. Last evaluated: 2025-12-18. Review status: criteria provided, single submitter. Criteria: ACMG Guidelines, 2015. Collection method: clinical testing. Allele origin: germline. Affected: yes.
Comment: The c.1921G>C missense variant changes a valine at position 641 of the protein for a leucine. The variant is absent from the gnomAD v4.1 (PM2_moderate) and has a REVEL score of 0.08 (BP4_moderate). With all the available evidence, the variant is classified as of uncertain significance.

NM_001378414.1(HDAC4):c.1936G>C (p.Val646Leu)

Gene: HDAC4 (histone deacetylase 4; minus strand). Cytogenetic location: 2q37.3.
Variant type: single nucleotide variant.
Coding change: c.1936G>C on transcript NM_001378414.1 (MANE Select); coding-DNA position 1936, G replaced by C.
Protein change: p.Val646Leu; replaces valine 646 with leucine.
Molecular consequence: missense variant.
Genome position (GRCh38, 1-based): chr2:239,111,568, C>G on the plus strand (G>C on the coding strand, the complement: HDAC4 is on the minus strand). VCF-style: chr2-239111568-C-G. GRCh37 (hg19) VCF-style: chr2-240033264-C-G.
Other names: c.1936G>C, p.Val646Leu (NM_001378415.1); c.1921G>C, p.Val641Leu (NM_001378416.1, NM_001378417.1, NM_001435996.1 and 1 more transcripts); c.1855G>C, p.Val619Leu (NM_001435991.1, NM_001435992.1, NM_001435994.1); c.1777G>C, p.Val593Leu (NM_001435993.1); c.1840G>C, p.Val614Leu (NM_001435998.1); short protein forms V593L, V614L, V619L, V641L, V646L.
Identifiers: ClinVar variation 4538487 (VCV004538487.1).